The following is an entry in ClinVar:

NM_000834.5(GRIN2B):c.4455A>C (p.Ter1485Cys)

Gene: GRIN2B (glutamate ionotropic receptor NMDA type subunit 2B; minus strand). Cytogenetic location: 12p13.1.
Variant type: single nucleotide variant.
Coding change: c.4455A>C on transcript NM_000834.5 (MANE Select); coding-DNA position 4455, A replaced by C.
Protein change: p.Ter1485Cys.
Molecular consequence: stop lost.
Genome position (GRCh38, 1-based): chr12:13,562,783, T>G on the plus strand (A>C on the coding strand, the complement: GRIN2B is on the minus strand). VCF-style: chr12-13562783-T-G. GRCh37 (hg19) VCF-style: chr12-13715717-T-G.
Other names: c.4455A>C, p.Ter1485Cys (NM_001413992.1).
Identifiers: ClinVar variation 3759676 (VCV003759676.2).

ClinVar aggregate classification (germline): Uncertain significance (1 of 4 stars; one submission).

Conditions:
Developmental and epileptic encephalopathy, 27 (DEE27). Also called: Epileptic encephalopathy, early infantile, 27; GRIN2B-Related Neurodevelopmental Disorder. Identifiers: Orphanet 3451, MedGen C4015316, MONDO:0014505, OMIM 616139.
Intellectual developmental disorder, autosomal dominant 6, with or without seizures. Also called: Intellectual disability, autosomal dominant 6; GRIN2B-related developmental delay, intellectual disability and autism spectrum disorder. Identifiers: Orphanet 589547, MedGen C3151411, MONDO:0013509, OMIM 613970.

Submission:

Labcorp Genetics (formerly Invitae), Labcorp
Classification: Uncertain significance for Developmental and epileptic encephalopathy, 27; Intellectual developmental disorder, autosomal dominant 6, with or without seizures. Last evaluated: 2024-11-03. Review status: criteria provided, single submitter. Criteria: Invitae Variant Classification Sherloc (09022015). Collection method: clinical testing. Allele origin: germline.
Comment: This sequence change disrupts the translational stop signal of the GRIN2B mRNA. It is expected to extend the length of the GRIN2B protein by 7 additional amino acid residues. This variant is not present in population databases (gnomAD no frequency). This variant has not been reported in the literature in individuals affected with GRIN2B-related conditions. Algorithms developed to predict the effect of sequence changes on RNA splicing suggest that this variant may create or strengthen a splice site. In summary, the available evidence is currently insufficient to determine the role of this variant in disease. Therefore, it has been classified as a Variant of Uncertain Significance.